The following is an entry in ClinVar:

NM_000093.5(COL5A1):c.2987_2988dup (p.Gly997fs)

Gene: COL5A1 (collagen type V alpha 1 chain; plus strand). Cytogenetic location: 9q34.3.
Variant type: Duplication.
Coding change: c.2987_2988dup on transcript NM_000093.5 (MANE Select); coding-DNA positions 2987 to 2988, 2 bases duplicated (CC; older notation c.2987_2988dupCC).
Protein change: p.Gly997fs; shifts the reading frame from glycine 997.
Molecular consequence: frameshift variant.
Genome position (GRCh38, 1-based): chr9:134,801,988-134,801,989, CC duplicated; duplicating any 2 consecutive bases within chr9:134,801,983-134,801,989 gives the same sequence; the c. name uses the placement nearest the transcript's 3' end. VCF-style (leftmost placement, unchanged base first): chr9-134801982-G-GCC. GRCh37 (hg19) VCF-style: chr9-137693828-G-GCC.
Other names: c.2987_2988dup, p.Gly997fs (NM_001278074.1); short protein forms G997fs.
Identifiers: ClinVar variation 1798449 (VCV001798449.2), dbSNP rs764693725, ClinGen allele CA2580080024.

ClinVar aggregate classification (germline): Pathogenic (1 of 4 stars; one submission).

Conditions:
Familial thoracic aortic aneurysm and aortic dissection (TAAD). Also called: Thoracic aortic aneurysms and dissections. Identifiers: Orphanet 91387, MedGen C4707243, MONDO:0019625.

Submission:

Ambry Genetics
Classification: Pathogenic for Familial thoracic aortic aneurysm and aortic dissection. Last evaluated: 2018-01-19. Review status: criteria provided, single submitter. Criteria: Ambry Variant Classification Scheme 2023. Collection method: clinical testing. Allele origin: germline.
Comment: The c.2987_2988dupCC pathogenic mutation, located in coding exon 38 of the COL5A1 gene, results from a duplication of CC at nucleotide position 2987, causing a translational frameshift with a predicted alternate stop codon (p.G997Pfs*78). This alteration is expected to result in loss of function by premature protein truncation or nonsense-mediated mRNA decay. As such, this alteration is interpreted as a disease-causing mutation.